The following is an entry in ClinVar:

ClinVar aggregate classification (germline): Benign (0 of 4 stars; one submission).

Conditions:
SLC20A1-related disorder. Also called: SLC20A1-related condition.

Allele frequency attached by ClinVar (database versions not stated): 1000 Genomes Project 30x 0.35743; 1000 Genomes Project 0.36062; TOPMed 0.42461; ESP Exome Variant Server 0.44049; ExAC 0.49196; gnomAD exomes 0.53805.

Submission:

PreventionGenetics, part of Exact Sciences
Classification: Benign for SLC20A1-related condition. Last evaluated: 2019-10-17. Review status: no assertion criteria provided. Collection method: clinical testing. Allele origin: germline.
Comment: This variant is classified as benign based on ACMG/AMP sequence variant interpretation guidelines (Richards et al. 2015 PMID: 25741868, with internal and published modifications).

NM_005415.5(SLC20A1):c.303G>A (p.Leu101=)

Genes: SLC20A1 (solute carrier family 20 member 1; plus strand), LOC122817729 (Sharpr-MPRA regulatory region 7980; plus strand). Cytogenetic location: 2q14.1.
Variant type: single nucleotide variant.
Coding change: c.303G>A on transcript NM_005415.5 (MANE Select); coding-DNA position 303, G replaced by A.
Protein change: p.Leu101=; no amino-acid change (leucine 101 retained).
Molecular consequence: synonymous variant.
Genome position (GRCh38, 1-based): chr2:112,647,131, G>A. VCF-style: chr2-112647131-G-A. GRCh37 (hg19) VCF-style: chr2-113404708-G-A.
Identifiers: ClinVar variation 3058938 (VCV003058938.2), dbSNP rs4849091, ClinGen allele CA1835725.